The following is an entry in ClinVar:

NM_017841.4(SDHAF2):c.244A>G (p.Asn82Asp)

Gene: SDHAF2 (succinate dehydrogenase complex assembly factor 2; plus strand). Cytogenetic location: 11q12.2.
Variant type: single nucleotide variant.
Coding change: c.244A>G on transcript NM_017841.4 (MANE Select); coding-DNA position 244, A replaced by G.
Protein change: p.Asn82Asp; replaces asparagine 82 with aspartic acid.
Molecular consequence: missense variant.
Genome position (GRCh38, 1-based): chr11:61,437,832, A>G. VCF-style: chr11-61437832-A-G. GRCh37 (hg19) VCF-style: chr11-61205304-A-G.
Other names: short protein forms N82D.
Identifiers: ClinVar variation 2625584 (VCV002625584.5), dbSNP rs1213509916, ClinGen allele CA380683861.

ClinVar aggregate classification (germline): Uncertain significance. Review status: criteria provided, multiple submitters, no conflicts (2 of 4 stars). 2 submissions from 2 submitters: Uncertain significance (2). Last evaluated 2023-08-31.

Conditions:
Hereditary cancer-predisposing syndrome. Also called: Neoplastic Syndromes, Hereditary; Tumor predisposition; Hereditary Cancer Syndrome; Hereditary neoplastic syndrome. Identifiers: Orphanet 140162, MedGen C0027672, MeSH D009386, MONDO:0015356.
Hereditary pheochromocytoma and paraganglioma. Also called: Hereditary paragangliomas and pheochromocytomas; Hereditary Paraganglioma-Pheochromocytoma Syndromes; Hereditary pheochromocytoma-paraganglioma. Identifiers: Orphanet 29072, MedGen C4274332, MONDO:0017366.

gnomAD v4.1: 1 of 1,613,752 alleles (0.000062%); no homozygotes.

Submissions (2):

Ambry Genetics
Classification: Uncertain significance for Hereditary cancer-predisposing syndrome. Last evaluated: 2023-08-31. Review status: criteria provided, single submitter. Criteria: Ambry Variant Classification Scheme 2023. Collection method: clinical testing. Allele origin: germline.
Comment: The p.N82D variant (also known as c.244A>G), located in coding exon 2 of the SDHAF2 gene, results from an A to G substitution at nucleotide position 244. The asparagine at codon 82 is replaced by aspartic acid, an amino acid with highly similar properties. This amino acid position is conserved. In addition, the in silico prediction for this alteration is inconclusive. Since supporting evidence is limited at this time, the clinical significance of this alteration remains unclear.

Labcorp Genetics (formerly Invitae), Labcorp
Classification: Uncertain significance for Hereditary pheochromocytoma and paraganglioma. Last evaluated: 2023-04-06. Review status: criteria provided, single submitter. Criteria: Invitae Variant Classification Sherloc (09022015). Collection method: clinical testing. Allele origin: germline.
Comment: This variant is present in population databases (no rsID available, gnomAD no frequency). This variant has not been reported in the literature in individuals affected with SDHAF2-related conditions. An algorithm developed to predict the effect of missense changes on protein structure and function (PolyPhen-2) suggests that this variant is likely to be disruptive. In summary, the available evidence is currently insufficient to determine the role of this variant in disease. Therefore, it has been classified as a Variant of Uncertain Significance. This sequence change replaces asparagine, which is neutral and polar, with aspartic acid, which is acidic and polar, at codon 82 of the SDHAF2 protein (p.Asn82Asp).